The following is an entry in ClinVar:

NM_000135.4(FANCA):c.3067-10T>A

Gene: FANCA (FA complementation group A; minus strand). Cytogenetic location: 16q24.3.
Variant type: single nucleotide variant.
Coding change: c.3067-10T>A on transcript NM_000135.4 (MANE Select); 10 bases into the intron before coding-DNA position 3067, T replaced by A.
Molecular consequence: intron variant.
Genome position (GRCh38, 1-based): chr16:89,749,912, A>T on the plus strand (T>A on the coding strand, the complement: FANCA is on the minus strand). VCF-style: chr16-89749912-A-T. GRCh37 (hg19) VCF-style: chr16-89816320-A-T.
Other names: c.3067-10T>A (NM_001286167.3).
Identifiers: ClinVar variation 2912617 (VCV002912617.3), dbSNP rs1379021525, ClinGen allele CA624454863.

ClinVar aggregate classification (germline): Uncertain significance (1 of 4 stars; one submission).

Conditions:
Fanconi anemia (FA). Also called: Fanconi's anemia. Identifiers: Orphanet 84, MedGen C0015625, MeSH D005199, MONDO:0019391.

Allele frequency attached by ClinVar (database versions not stated): gnomAD exomes below 0.00001.
gnomAD v4.1: 2 of 1,613,936 alleles (0.00012%); highest among the groups gnomAD compares: Non-Finnish European, 0.00017%; no homozygotes.

Submission:

Labcorp Genetics (formerly Invitae), Labcorp
Classification: Uncertain significance for Fanconi anemia. Last evaluated: 2024-01-05. Review status: criteria provided, single submitter. Criteria: Invitae Variant Classification Sherloc (09022015). Collection method: clinical testing. Allele origin: germline.
Comment: This sequence change falls in intron 31 of the FANCA gene. It does not directly change the encoded amino acid sequence of the FANCA protein. This variant is present in population databases (no rsID available, gnomAD 0.0009%). This variant has not been reported in the literature in individuals affected with FANCA-related conditions. Algorithms developed to predict the effect of sequence changes on RNA splicing suggest that this variant may disrupt the consensus splice site. In summary, the available evidence is currently insufficient to determine the role of this variant in disease. Therefore, it has been classified as a Variant of Uncertain Significance.